The following is an entry in ClinVar:

NM_000334.4(SCN4A):c.4615G>A (p.Asp1539Asn)

Genes: GH-LCR (growth hormone locus control region; plus strand), SCN4A (sodium voltage-gated channel alpha subunit 4; minus strand). Cytogenetic location: 17q23.3.
Variant type: single nucleotide variant.
Coding change: c.4615G>A on transcript NM_000334.4 (MANE Select); coding-DNA position 4615, G replaced by A.
Protein change: p.Asp1539Asn; replaces aspartic acid 1539 with asparagine.
Molecular consequence: missense variant.
Genome position (GRCh38, 1-based): chr17:63,941,667, C>T on the plus strand (G>A on the coding strand, the complement: SCN4A is on the minus strand). VCF-style: chr17-63941667-C-T. GRCh37 (hg19) VCF-style: chr17-62019027-C-T.
Other names: short protein forms D1539N.
Identifiers: ClinVar variation 2435724 (VCV002435724.6), dbSNP rs775792587, ClinGen allele CA8708933.

ClinVar aggregate classification (germline): Uncertain significance. Review status: criteria provided, multiple submitters, no conflicts (2 of 4 stars). 2 submissions from 2 submitters: Uncertain significance (2). Last evaluated 2025-09-09.

Conditions:
Hyperkalemic periodic paralysis. Also called: Familial hyperkalemic periodic paralysis; Gamstorp disease. Identifiers: Orphanet 682, MedGen C0238357, MONDO:0008224, OMIM 170500, HP:0007215.

Allele frequency attached by ClinVar (database versions not stated): gnomAD 0.00001; gnomAD exomes 0.00001; TOPMed 0.00001; ExAC 0.00002.
gnomAD v4.1: 12 of 1,613,988 alleles (0.00074%); highest among the groups gnomAD compares: Non-Finnish European, 0.001%; no homozygotes.

Submissions (2):

Labcorp Genetics (formerly Invitae), Labcorp
Classification: Uncertain significance for Hyperkalemic periodic paralysis. Last evaluated: 2025-09-09. Review status: criteria provided, single submitter. Criteria: Invitae Variant Classification Sherloc (09022015). Collection method: clinical testing. Allele origin: germline.
Comment: This sequence change replaces aspartic acid, which is acidic and polar, with asparagine, which is neutral and polar, at codon 1539 of the SCN4A protein (p.Asp1539Asn). This variant is present in population databases (rs775792587, gnomAD 0.003%). This variant has not been reported in the literature in individuals affected with SCN4A-related conditions. ClinVar contains an entry for this variant (Variation ID: 2435724). Invitae Evidence Modeling of protein sequence and biophysical properties (such as structural, functional, and spatial information, amino acid conservation, physicochemical variation, residue mobility, and thermodynamic stability) has been performed for this missense variant. However, the output from this modeling did not meet the statistical confidence thresholds required to predict the impact of this variant on SCN4A protein function. In summary, the available evidence is currently insufficient to determine the role of this variant in disease. Therefore, it has been classified as a Variant of Uncertain Significance.

Revvity Omics, Revvity
Classification: Uncertain significance. Last evaluated: 2022-05-25. Review status: criteria provided, single submitter. Criteria: ACMG Guidelines, 2015. Collection method: clinical testing. Allele origin: germline.